The following is an entry in ClinVar:

ClinVar aggregate classification (germline): Benign/Likely benign. Review status: criteria provided, multiple submitters, no conflicts (2 of 4 stars). 4 submissions from 4 submitters: Benign (1); Likely benign (2). 1 of the submissions does not count toward it. Last evaluated 2026-06-05.

Conditions:
Hereditary cancer-predisposing syndrome. Also called: Neoplastic Syndromes, Hereditary; Hereditary Cancer Syndrome; Hereditary neoplastic syndrome; Tumor predisposition. Identifiers: Orphanet 140162, MedGen C0027672, MeSH D009386, MONDO:0015356.
KIT-related disorder. Also called: KIT-related condition.
Gastrointestinal stromal tumor. Also called: Gastrointestinal stroma tumor; Gastrointestinal stromal tumor, somatic. Identifiers: Orphanet 44890, MedGen C0238198, MeSH D046152, MONDO:0011719, OMIM 606764, HP:0100723.

Allele frequency attached by ClinVar (database versions not stated): TOPMed 0.00001.
gnomAD v4.1: 50 of 1,614,096 alleles (0.0031%); highest among the groups gnomAD compares: Non-Finnish European, 0.0042%; no homozygotes.

Submissions (4):

Myriad Genetics, Inc.
Classification: Benign for Gastrointestinal stromal tumor. Last evaluated: 2026-06-05. Review status: criteria provided, single submitter. Criteria: Myriad Autosomal Dominant, Autosomal Recessive and X-Linked Classification Criteria (2023). Collection method: clinical testing. Allele origin: unknown.
Comment: This variant is considered benign. This variant is a silent/synonymous amino acid change and it is not expected to impact splicing.

Labcorp Genetics (formerly Invitae), Labcorp
Classification: Likely benign for Gastrointestinal stromal tumor. Last evaluated: 2026-01-16. Review status: criteria provided, single submitter. Criteria: Invitae Variant Classification Sherloc (09022015). Collection method: clinical testing. Allele origin: germline.

Ambry Genetics
Classification: Likely benign for Hereditary cancer-predisposing syndrome. Last evaluated: 2022-04-02. Review status: criteria provided, single submitter. Criteria: Ambry Variant Classification Scheme 2023. Collection method: clinical testing. Allele origin: germline.

PreventionGenetics, part of Exact Sciences
Classification: Likely benign for KIT-related condition. Last evaluated: 2020-09-11. Review status: no assertion criteria provided. Collection method: clinical testing. Allele origin: germline. Not counted in ClinVar's aggregate classification.
Comment: This variant is classified as likely benign based on ACMG/AMP sequence variant interpretation guidelines (Richards et al. 2015 PMID: 25741868, with internal and published modifications).

NM_000222.3(KIT):c.2541G>T (p.Thr847=)

Gene: KIT (KIT proto-oncogene, receptor tyrosine kinase; plus strand). Cytogenetic location: 4q12.
Variant type: single nucleotide variant.
Coding change: c.2541G>T on transcript NM_000222.3 (MANE Select); coding-DNA position 2541, G replaced by T.
Protein change: p.Thr847=; no amino-acid change (threonine 847 retained).
Molecular consequence: synonymous variant.
Genome position (GRCh38, 1-based): chr4:54,736,554, G>T. VCF-style: chr4-54736554-G-T. GRCh37 (hg19) VCF-style: chr4-55602720-G-T.
Other names: c.2529G>T, p.Thr843= (NM_001093772.2, NM_001385292.1); c.2544G>T, p.Thr848= (NM_001385284.1); c.2538G>T, p.Thr846= (NM_001385285.1); c.2526G>T, p.Thr842= (NM_001385286.1); c.2532G>T, p.Thr844= (NM_001385288.1); c.2541G>T, p.Thr847= (NM_001385290.1).
Identifiers: ClinVar variation 415806 (VCV000415806.17), dbSNP rs762912889, ClinGen allele CA16611522.